The following is an entry in ClinVar:

NM_004055.5(CAPN5):c.506+20_506+23dup

Gene: CAPN5 (calpain 5; plus strand). Cytogenetic location: 11q13.5.
Variant type: Duplication.
Coding change: c.506+20_506+23dup on transcript NM_004055.5 (MANE Select); bases 20 to 23 of the intron after coding-DNA position 506, 4 bases duplicated (AGGT; older notation c.506+20_506+23dupAGGT).
Molecular consequence: intron variant.
Genome position (GRCh38, 1-based): chr11:77,112,817-77,112,820, AGGT duplicated. VCF-style (leftmost placement, unchanged base first): chr11-77112816-C-CAGGT. GRCh37 (hg19) VCF-style: chr11-76823862-C-CAGGT.
Other names: c.506+20_506+23dup (NM_001425322.1); c.626+20_626+23dup (NM_001425321.1); c.374+20_374+23dup (NM_001425323.1).
Identifiers: ClinVar variation 3612666 (VCV003612666.3).

ClinVar aggregate classification (germline): Conflicting classifications of pathogenicity. Review status: criteria provided, conflicting classifications (1 of 4 stars). 2 submissions from 2 submitters: Uncertain significance (1); Likely benign (1). Last evaluated 2024-11-05.

Submissions (2):

Blueprint Genetics
Classification: Likely benign. Last evaluated: 2024-11-05. Review status: criteria provided, single submitter. Criteria: ACMG Guidelines, 2015. Collection method: clinical testing. Allele origin: germline.

Labcorp Genetics (formerly Invitae), Labcorp
Classification: Uncertain significance. Last evaluated: 2024-06-26. Review status: criteria provided, single submitter. Criteria: Invitae Variant Classification Sherloc (09022015). Collection method: clinical testing. Allele origin: germline.
Comment: This sequence change falls in intron 4 of the CAPN5 gene. It does not directly change the encoded amino acid sequence of the CAPN5 protein. This variant is present in population databases (rs782234034, gnomAD 0.004%). This variant has not been reported in the literature in individuals affected with CAPN5-related conditions. Algorithms developed to predict the effect of sequence changes on RNA splicing suggest that this variant may create or strengthen a splice site. In summary, the available evidence is currently insufficient to determine the role of this variant in disease. Therefore, it has been classified as a Variant of Uncertain Significance.